The following is an entry in ClinVar:

NM_052876.4(NACC1):c.1552G>C (p.Glu518Gln)

Gene: NACC1 (nucleus accumbens associated 1; plus strand). Cytogenetic location: 19p13.13.
Variant type: single nucleotide variant.
Coding change: c.1552G>C on transcript NM_052876.4 (MANE Select); coding-DNA position 1552, G replaced by C.
Protein change: p.Glu518Gln; replaces glutamic acid 518 with glutamine.
Molecular consequence: missense variant.
Genome position (GRCh38, 1-based): chr19:13,138,374, G>C. VCF-style: chr19-13138374-G-C. GRCh37 (hg19) VCF-style: chr19-13249188-G-C.
Other names: short protein forms E518Q.
Identifiers: ClinVar variation 1345822 (VCV001345822.6), dbSNP rs201660585, ClinGen allele CA9238557.

ClinVar aggregate classification (germline): Uncertain significance (1 of 4 stars; one submission).

Allele frequency attached by ClinVar (database versions not stated): gnomAD exomes below 0.00001; ExAC 0.00001.
gnomAD v4.1: 5 of 1,612,792 alleles (0.00031%); highest among the groups gnomAD compares: South Asian, 0.0055%; no homozygotes.

Submission:

Labcorp Genetics (formerly Invitae), Labcorp
Classification: Uncertain significance. Last evaluated: 2021-10-20. Review status: criteria provided, single submitter. Criteria: Invitae Variant Classification Sherloc (09022015). Collection method: clinical testing. Allele origin: germline.
Comment: In summary, the available evidence is currently insufficient to determine the role of this variant in disease. Therefore, it has been classified as a Variant of Uncertain Significance. Algorithms developed to predict the effect of missense changes on protein structure and function (SIFT, PolyPhen-2, Align-GVGD) all suggest that this variant is likely to be tolerated. This variant has not been reported in the literature in individuals affected with NACC1-related conditions. This variant is present in population databases (rs201660585, ExAC 0.006%). This sequence change replaces glutamic acid with glutamine at codon 518 of the NACC1 protein (p.Glu518Gln). The glutamic acid residue is moderately conserved and there is a small physicochemical difference between glutamic acid and glutamine.